The following is an entry in ClinVar:

ClinVar aggregate classification (germline): Uncertain significance (1 of 4 stars; one submission).

Conditions:
Oligodontia-cancer predisposition syndrome. Also called: TOOTH AGENESIS-COLORECTAL CANCER SYNDROME. Identifiers: Orphanet 300576, MedGen C1837750, MONDO:0012075, OMIM 608615. Disease mechanism: loss of function.

Submission:

Labcorp Genetics (formerly Invitae), Labcorp
Classification: Uncertain significance for Oligodontia-cancer predisposition syndrome. Last evaluated: 2022-02-02. Review status: criteria provided, single submitter. Criteria: Invitae Variant Classification Sherloc (09022015). Collection method: clinical testing. Allele origin: germline.
Comment: This sequence change replaces histidine, which is basic and polar, with leucine, which is neutral and non-polar, at codon 474 of the AXIN2 protein (p.His474Leu). This variant is not present in population databases (gnomAD no frequency). This variant has not been reported in the literature in individuals affected with AXIN2-related conditions. Algorithms developed to predict the effect of missense changes on protein structure and function (SIFT, PolyPhen-2, Align-GVGD) all suggest that this variant is likely to be tolerated. In summary, the available evidence is currently insufficient to determine the role of this variant in disease. Therefore, it has been classified as a Variant of Uncertain Significance.

NM_004655.4(AXIN2):c.1421A>T (p.His474Leu)

Gene: AXIN2 (axin 2; minus strand). Cytogenetic location: 17q24.1.
Variant type: single nucleotide variant.
Coding change: c.1421A>T on transcript NM_004655.4 (MANE Select); coding-DNA position 1421, A replaced by T.
Protein change: p.His474Leu; replaces histidine 474 with leucine.
Molecular consequence: missense variant.
Genome position (GRCh38, 1-based): chr17:65,537,615, T>A on the plus strand (A>T on the coding strand, the complement: AXIN2 is on the minus strand). VCF-style: chr17-65537615-T-A. GRCh37 (hg19) VCF-style: chr17-63533733-T-A.
Other names: c.1421A>T, p.His474Leu (NM_001363813.1); short protein forms H474L.
Identifiers: ClinVar variation 2091707 (VCV002091707.4), dbSNP rs756008626, ClinGen allele CA400677535.